The following is an entry in ClinVar:

NM_032119.4(ADGRV1):c.12548T>C (p.Ile4183Thr)

Gene: ADGRV1 (adhesion G protein-coupled receptor V1; plus strand). Cytogenetic location: 5q14.3.
Variant type: single nucleotide variant.
Coding change: c.12548T>C on transcript NM_032119.4 (MANE Select); coding-DNA position 12548, T replaced by C.
Protein change: p.Ile4183Thr; replaces isoleucine 4183 with threonine.
Molecular consequence: missense variant. On other transcripts: non-coding transcript variant (1).
Genome position (GRCh38, 1-based): chr5:90,777,925, T>C. VCF-style: chr5-90777925-T-C. GRCh37 (hg19) VCF-style: chr5-90073742-T-C.
Other names: short protein forms I4183T.
Identifiers: ClinVar variation 1379636 (VCV001379636.3), dbSNP rs570307357, ClinGen allele CA3341287.

ClinVar aggregate classification (germline): Uncertain significance (1 of 4 stars; one submission).

Allele frequency attached by ClinVar (database versions not stated): gnomAD exomes below 0.00001; ExAC 0.00001; gnomAD 0.00001; 1000 Genomes Project 0.00040; 1000 Genomes Project 30x 0.00047.
gnomAD v4.1: 6 of 1,610,024 alleles (0.00037%); highest among the groups gnomAD compares: Admixed American, 0.01%; no homozygotes.

Submission:

Labcorp Genetics (formerly Invitae), Labcorp
Classification: Uncertain significance. Last evaluated: 2021-09-04. Review status: criteria provided, single submitter. Criteria: Invitae Variant Classification Sherloc (09022015). Collection method: clinical testing. Allele origin: germline.
Comment: This sequence change replaces isoleucine with threonine at codon 4183 of the ADGRV1 protein (p.Ile4183Thr). The isoleucine residue is moderately conserved and there is a moderate physicochemical difference between isoleucine and threonine. This variant is present in population databases (rs570307357, ExAC 0.01%). This variant has not been reported in the literature in individuals affected with ADGRV1-related conditions. Algorithms developed to predict the effect of missense changes on protein structure and function output the following: SIFT: "Deleterious"; PolyPhen-2: "Benign"; Align-GVGD: "Class C0". The threonine amino acid residue is found in multiple mammalian species, which suggests that this missense change does not adversely affect protein function. In summary, the available evidence is currently insufficient to determine the role of this variant in disease. Therefore, it has been classified as a Variant of Uncertain Significance.